The following is an entry in ClinVar:

NM_001367624.2(ZNF469):c.207G>C (p.Arg69Ser)

Gene: ZNF469 (zinc finger protein 469; plus strand). Cytogenetic location: 16q24.2.
Variant type: single nucleotide variant.
Coding change: c.207G>C on transcript NM_001367624.2 (MANE Select); coding-DNA position 207, G replaced by C.
Protein change: p.Arg69Ser; replaces arginine 69 with serine.
Molecular consequence: missense variant.
Genome position (GRCh38, 1-based): chr16:88,427,677, G>C. VCF-style: chr16-88427677-G-C. GRCh37 (hg19) VCF-style: chr16-88494085-G-C.
Other names: short protein forms R69S.
Identifiers: ClinVar variation 3896287 (VCV003896287.2).
Genomic context (GRCh38, chr16:88,427,677, plus strand): 5'-GGAGGCTGGCGGCCAGGCCCAGGCCATGGAGCTCCCCGAGGCCCAGCCAAGGCAGGCCAG[G>C]GACGGGGAGCTCAAGCCCCCATCCCTGAGAGGCCAGGCCCCGAGCAGCACCCCTGGGAAG-3'
Protein context (NP_001354553.1, residues 59-79): ELPEAQPRQA[Arg69Ser]DGELKPPSLR

ClinVar aggregate classification (germline): Uncertain significance (1 of 4 stars; one submission).

Submission:

Women's Health and Genetics/Laboratory Corporation of America, LabCorp
Classification: Uncertain significance. Last evaluated: 2025-04-14. Review status: criteria provided, single submitter. Criteria: LabCorp Variant Classification Summary - May 2015. Collection method: clinical testing. Allele origin: germline.
Comment: Variant summary: ZNF469 c.207G>C (p.Arg69Ser) results in a non-conservative amino acid change in the encoded protein sequence. Three of four in-silico tools predict a benign effect of the variant on protein function. The variant was absent in 131540 control chromosomes. The available data on variant occurrences in the general population are insufficient to allow any conclusion about variant significance. To our knowledge, no occurrence of c.207G>C in individuals affected with Brittle cornea syndrome 1 and no experimental evidence demonstrating its impact on protein function have been reported. No submitters have cited clinical-significance assessments for this variant to ClinVar. Based on the evidence outlined above, the variant was classified as uncertain significance.